The following is an entry in ClinVar:

NM_000395.3(CSF2RB):c.638G>A (p.Arg213Gln)

Gene: CSF2RB (colony stimulating factor 2 receptor subunit beta; plus strand). Cytogenetic location: 22q12.3.
Variant type: single nucleotide variant.
Coding change: c.638G>A on transcript NM_000395.3 (MANE Select); coding-DNA position 638, G replaced by A.
Protein change: p.Arg213Gln; replaces arginine 213 with glutamine.
Molecular consequence: missense variant.
Genome position (GRCh38, 1-based): chr22:36,929,727, G>A. VCF-style: chr22-36929727-G-A. GRCh37 (hg19) VCF-style: chr22-37325769-G-A.
Other names: c.638G>A, p.Arg213Gln (NM_001410827.1); short protein forms R213Q.
Identifiers: ClinVar variation 4695009 (VCV004695009.1).
Genomic context (GRCh38, chr22:36,929,727, plus strand): 5'-CCCAGGCCACCCTGGGGCCAGAGCACCTCATGCCCAGCAGCACCTACGTGGCCCGAGTAC[G>A]GACCCGCCTGGCCCCAGGTTCTCGGCTCTCAGGACGTCCCAGCAAGTGGAGCCCAGAGGT-3'
Protein context (NP_000386.1, residues 203-223): MPSSTYVARV[Arg213Gln]TRLAPGSRLS

ClinVar aggregate classification (germline): Uncertain significance (1 of 4 stars; one submission).

gnomAD v4.1: 12 of 1,614,066 alleles (0.00074%); highest among the groups gnomAD compares: South Asian, 0.0044%; no homozygotes.

Submission:

Labcorp Genetics (formerly Invitae), Labcorp
Classification: Uncertain significance. Last evaluated: 2025-07-13. Review status: criteria provided, single submitter. Criteria: Invitae Variant Classification Sherloc (09022015). Collection method: clinical testing. Allele origin: germline.
Comment: This sequence change replaces arginine, which is basic and polar, with glutamine, which is neutral and polar, at codon 213 of the CSF2RB protein (p.Arg213Gln). This variant is present in population databases (rs757383286, gnomAD no frequency). This variant has not been reported in the literature in individuals affected with CSF2RB-related conditions. Invitae Evidence Modeling of protein sequence and biophysical properties (such as structural, functional, and spatial information, amino acid conservation, physicochemical variation, residue mobility, and thermodynamic stability) indicates that this missense variant is expected to disrupt CSF2RB protein function with a positive predictive value of 80%. In summary, the available evidence is currently insufficient to determine the role of this variant in disease. Therefore, it has been classified as a Variant of Uncertain Significance.